The following is an entry in ClinVar:

ClinVar aggregate classification (germline): Likely benign (1 of 4 stars; one submission).

Allele frequency attached by ClinVar (database versions not stated): gnomAD 0.00022; gnomAD exomes 0.00022; TOPMed 0.00022; ExAC 0.00029.
gnomAD v4.1: 376 of 1,609,902 alleles (0.023%); highest among the groups gnomAD compares: Middle Eastern, 0.43%; no homozygotes.

Submission:

CeGaT Center for Human Genetics Tuebingen
Classification: Likely benign. Last evaluated: 2022-07-01. Review status: criteria provided, single submitter. Criteria: CeGaT Center For Human Genetics Tuebingen Variant Classification Criteria Version 2. Collection method: clinical testing. Allele origin: germline. Affected: yes. Observed: 1 variant allele.
Comment: HSPH1: BP4, BP7

NM_006644.4(HSPH1):c.897A>G (p.Gly299=)

Gene: HSPH1 (heat shock protein family H (Hsp110) member 1; minus strand). Cytogenetic location: 13q12.3.
Variant type: single nucleotide variant.
Coding change: c.897A>G on transcript NM_006644.4 (MANE Select); coding-DNA position 897, A replaced by G.
Protein change: p.Gly299=; no amino-acid change (glycine 299 retained).
Molecular consequence: synonymous variant.
Genome position (GRCh38, 1-based): chr13:31,150,958, T>C on the plus strand (A>G on the coding strand, the complement: HSPH1 is on the minus strand). VCF-style: chr13-31150958-T-C. GRCh37 (hg19) VCF-style: chr13-31725095-T-C.
Other names: c.897A>G, p.Gly299= (NM_001286503.2, NM_001349704.2); c.903A>G, p.Gly301= (NM_001286504.1); c.669A>G, p.Gly223= (NM_001286505.1).
Identifiers: ClinVar variation 2643714 (VCV002643714.24), dbSNP rs779824270, ClinGen allele CA6936037.